The following is an entry in ClinVar:

NM_004525.3(LRP2):c.1985C>T (p.Pro662Leu)

Gene: LRP2 (LDL receptor related protein 2; minus strand). Cytogenetic location: 2q31.1.
Variant type: single nucleotide variant.
Coding change: c.1985C>T on transcript NM_004525.3 (MANE Select); coding-DNA position 1985, C replaced by T.
Protein change: p.Pro662Leu; replaces proline 662 with leucine.
Molecular consequence: missense variant.
Genome position (GRCh38, 1-based): chr2:169,273,058, G>A on the plus strand (C>T on the coding strand, the complement: LRP2 is on the minus strand). VCF-style: chr2-169273058-G-A. GRCh37 (hg19) VCF-style: chr2-170129568-G-A.
Other names: c.1985C>T (NM_004525.2); short protein forms P662L.
Identifiers: ClinVar variation 2183269 (VCV002183269.4), dbSNP rs543102321, ClinGen allele CA1955410.

ClinVar aggregate classification (germline): Uncertain significance. Review status: criteria provided, multiple submitters, no conflicts (2 of 4 stars). 3 submissions from 3 submitters: Uncertain significance (3). Last evaluated 2025-03-21.

Conditions:
Inborn genetic diseases. Identifiers: MedGen C0950123, MeSH D030342.

Allele frequency attached by ClinVar (database versions not stated): ExAC 0.00002; gnomAD exomes 0.00002; gnomAD 0.00011; 1000 Genomes Project 0.00020; 1000 Genomes Project 30x 0.00031.
gnomAD v4.1: 41 of 1,613,522 alleles (0.0025%); highest among the groups gnomAD compares: African/African-American, 0.043%; no homozygotes.

Submissions (3):

Ambry Genetics
Classification: Uncertain significance for Inborn genetic diseases. Last evaluated: 2025-03-21. Review status: criteria provided, single submitter. Criteria: Ambry Variant Classification Scheme 2023. Collection method: clinical testing. Allele origin: germline.

Blueprint Genetics
Classification: Uncertain significance. Last evaluated: 2022-11-18. Review status: criteria provided, single submitter. Criteria: ACMG Guidelines, 2015. Collection method: clinical testing. Allele origin: germline.

Labcorp Genetics (formerly Invitae), Labcorp
Classification: Uncertain significance. Last evaluated: 2022-06-12. Review status: criteria provided, single submitter. Criteria: Invitae Variant Classification Sherloc (09022015). Collection method: clinical testing. Allele origin: germline.
Comment: This sequence change replaces proline, which is neutral and non-polar, with leucine, which is neutral and non-polar, at codon 662 of the LRP2 protein (p.Pro662Leu). This variant is present in population databases (rs543102321, gnomAD 0.02%). This variant has not been reported in the literature in individuals affected with LRP2-related conditions. Advanced modeling of protein sequence and biophysical properties (such as structural, functional, and spatial information, amino acid conservation, physicochemical variation, residue mobility, and thermodynamic stability) performed at Invitae indicates that this missense variant is expected to disrupt LRP2 protein function. In summary, the available evidence is currently insufficient to determine the role of this variant in disease. Therefore, it has been classified as a Variant of Uncertain Significance.